The following is an entry in ClinVar:

ClinVar aggregate classification (germline): Uncertain significance (1 of 4 stars; one submission).

Conditions:
Cardiomyopathy (CMYO). Also called: Cardiomyopathies. Identifiers: Orphanet 167848, MedGen C0878544, MONDO:0004994, HP:0001638. Inheritance: Various modes of inheritance.

Submission:

All of Us Research Program, National Institutes of Health
Classification: Uncertain significance for Cardiomyopathy. Last evaluated: 2023-12-18. Review status: criteria provided, single submitter. Criteria: ACMG Guidelines, 2015. Collection method: clinical testing. Allele origin: germline. Inheritance: Autosomal dominant inheritance. Observed: 1 variant allele, 1 heterozygote.
Comment: This missense variant replaces glutamic acid with glycine at codon 483 of the MYH7 protein. Computational prediction indicates that this variant may have deleterious impact on protein structure and function. To our knowledge, functional studies have not been reported for this variant. This variant has not been reported in individuals affected with MYH7-related disorders in the literature. This variant has not been identified in the general population by the Genome Aggregation Database (gnomAD). The available evidence is insufficient to determine the role of this variant in disease conclusively. Therefore, this variant is classified as a Variant of Uncertain Significance.

This study involves interpretation of variants in research participants for the purpose of population health screening. Participant phenotype was not available at the time of variant classification. Additional details can be found in publication PMID: 35346344, PMCID: PMC8962531

NM_000257.4(MYH7):c.1448A>G (p.Glu483Gly)

Gene: MYH7 (myosin heavy chain 7; minus strand). Cytogenetic location: 14q11.2.
Variant type: single nucleotide variant.
Coding change: c.1448A>G on transcript NM_000257.4 (MANE Select); coding-DNA position 1448, A replaced by G.
Protein change: p.Glu483Gly; replaces glutamic acid 483 with glycine.
Molecular consequence: missense variant.
Genome position (GRCh38, 1-based): chr14:23,428,630, T>C on the plus strand (A>G on the coding strand, the complement: MYH7 is on the minus strand). VCF-style: chr14-23428630-T-C. GRCh37 (hg19) VCF-style: chr14-23897839-T-C.
Other names: c.1448A>G, p.Glu483Gly (NM_001407004.1); short protein forms E483G.
Identifiers: ClinVar variation 3075149 (VCV003075149.1), dbSNP rs2502300347, ClinGen allele CA389050579.